The following is an entry in ClinVar:

ClinVar aggregate classification (germline): Uncertain significance. Review status: criteria provided, multiple submitters, no conflicts (2 of 4 stars). 2 submissions from 2 submitters: Uncertain significance (2). Last evaluated 2025-03-18.

Conditions:
Hereditary cancer-predisposing syndrome. Also called: Tumor predisposition; Neoplastic Syndromes, Hereditary; Hereditary Cancer Syndrome; Hereditary neoplastic syndrome. Identifiers: Orphanet 140162, MedGen C0027672, MeSH D009386, MONDO:0015356.
Cardiovascular phenotype. Identifiers: MedGen CN230736.
Neurofibromatosis, type 1 (NF1). Also called: VON RECKLINGHAUSEN DISEASE; NEUROFIBROMATOSIS, TYPE I, SOMATIC; Peripheral type neurofibromatosis; Neurofibromatosis, type I. Identifiers: Orphanet 636, MedGen C0027831, MONDO:0018975, OMIM 162200. Disease mechanism: loss of function.

Submissions (2):

Labcorp Genetics (formerly Invitae), Labcorp
Classification: Uncertain significance for Neurofibromatosis, type 1. Last evaluated: 2025-03-18. Review status: criteria provided, single submitter. Criteria: Invitae Variant Classification Sherloc (09022015). Collection method: clinical testing. Allele origin: germline.
Comment: This sequence change falls in intron 17 of the NF1 gene. It does not directly change the encoded amino acid sequence of the NF1 protein. It affects a nucleotide within the consensus splice site. This variant is not present in population databases (gnomAD no frequency). This variant has not been reported in the literature in individuals affected with NF1-related conditions. ClinVar contains an entry for this variant (Variation ID: 1784244). Variants that disrupt the consensus splice site are a relatively common cause of aberrant splicing (PMID: 17576681, 9536098). Algorithms developed to predict the effect of sequence changes on RNA splicing suggest that this variant may disrupt the consensus splice site. In summary, the available evidence is currently insufficient to determine the role of this variant in disease. Therefore, it has been classified as a Variant of Uncertain Significance.

Ambry Genetics
Classification: Uncertain significance for Cardiovascular phenotype; Hereditary cancer-predisposing syndrome. Last evaluated: 2022-02-18. Review status: criteria provided, single submitter. Criteria: Ambry Variant Classification Scheme 2023. Collection method: clinical testing. Allele origin: germline.
Comment: The c.2001+5G>A intronic variant results from a G to A substitution 5 nucleotides after coding exon 17 in the NF1 gene. This nucleotide position is not well conserved in available vertebrate species. In silico splice site analysis predicts that this alteration will weaken the native splice donor site and may result in the creation or strengthening of a novel splice donor site. RNA studies have demonstrated that this alteration results in a transcript predicted to lead to a protein with an in-frame deletion of 52 amino acids; however, the exact functional impact of the deleted amino acids is unknown at this time (Ambry internal data). Since supporting evidence is limited at this time, the clinical significance of this alteration remains unclear.

Literature cited by the submitters: PubMed 17576681 (cited by Labcorp Genetics (formerly Invitae), Labcorp); PubMed 9536098 (cited by Labcorp Genetics (formerly Invitae), Labcorp).

NM_001042492.3(NF1):c.2001+5G>A

Gene: NF1 (neurofibromin 1; plus strand). Cytogenetic location: 17q11.2.
Variant type: single nucleotide variant.
Coding change: c.2001+5G>A on transcript NM_001042492.3 (MANE Select); 5 bases into the intron after coding-DNA position 2001, G replaced by A.
Molecular consequence: intron variant.
Genome position (GRCh38, 1-based): chr17:31,225,255, G>A. VCF-style: chr17-31225255-G-A. GRCh37 (hg19) VCF-style: chr17-29552273-G-A.
Other names: c.2001+5G>A (NM_000267.4).
Identifiers: ClinVar variation 1784244 (VCV001784244.3), dbSNP rs2144028091, ClinGen allele CA2580093115.